The following is an entry in ClinVar:

NM_006269.2(RP1):c.4640del (p.Asn1547fs)

Gene: RP1 (RP1 axonemal microtubule associated; plus strand). Cytogenetic location: 8q12.1.
Variant type: Deletion.
Coding change: c.4640del on transcript NM_006269.2 (MANE Select); coding-DNA position 4640, one base deleted (A; older notation c.4640delA).
Protein change: p.Asn1547fs; shifts the reading frame from asparagine 1547.
Molecular consequence: frameshift variant. On other transcripts: intron variant (1).
Genome position (GRCh38, 1-based): chr8:54,628,522, A deleted; the last of 4 consecutive A bases (chr8:54,628,519-54,628,522); deleting any one gives the same sequence. VCF-style (leftmost placement, unchanged base first): chr8-54628518-CA-C. GRCh37 (hg19) VCF-style: chr8-55541078-CA-C.
Other names: c.4640delA; p.Asn1547fs; c.787+6234del (NM_001375654.1); short protein forms N1547fs.
Identifiers: ClinVar variation 4057220 (VCV004057220.1).

ClinVar aggregate classification (germline): Likely pathogenic (0 of 4 stars; one submission).

Conditions:
Retinitis pigmentosa (RP). Identifiers: Orphanet 791, MedGen C0035334, MeSH D012174, MONDO:0019200, OMIM 268000. Inheritance: Autosomal dominant, autosomal recessive and X linked inheritance.

Submission:

Cellular and Molecular Research Center, Qom University of Medical Sciences
Classification: Likely pathogenic for Retinitis pigmentosa. Last evaluated: 2025-05-19. Review status: no assertion criteria provided. Collection method: research. Allele origin: germline. Inheritance: Autosomal dominant inheritance. Affected: yes. Observed: 2 heterozygotes, 1 homozygote. Clinical features observed: Retinal degeneration (HP:0000546).
Comment: Mutation taster classifies it as "Disease causing". Franklin classifies it as "Likely Pathogenic". Varsome classifies it as "Likely Pathogenic". CADD score is 43. Since it is segregating in the family i think it is "PATHOGENIC".